The following is an entry in ClinVar:

NM_000051.4(ATM):c.7798G>A (p.Glu2600Lys)

Genes: ATM (ATM serine/threonine kinase; plus strand), C11orf65 (chromosome 11 open reading frame 65; minus strand). Cytogenetic location: 11q22.3.
Variant type: single nucleotide variant.
Coding change: c.7798G>A on transcript NM_000051.4 (MANE Select); coding-DNA position 7798, G replaced by A.
Protein change: p.Glu2600Lys; replaces glutamic acid 2600 with lysine.
Molecular consequence: missense variant. On other transcripts: intron variant (2).
Genome position (GRCh38, 1-based): chr11:108,332,771, G>A. VCF-style: chr11-108332771-G-A. GRCh37 (hg19) VCF-style: chr11-108203498-G-A.
Other names: c.7798G>A, p.Glu2600Lys (NM_001351834.2); c.641-23700C>T (NM_001330368.2); c.*38+2449C>T (NM_001351110.2); short protein forms E2600K.
Identifiers: ClinVar variation 1044252 (VCV001044252.47), dbSNP rs2086405495, ClinGen allele CA382561253.

ClinVar aggregate classification (germline): Uncertain significance (1 of 4 stars; one submission).

Conditions:
Ataxia-telangiectasia syndrome (AT). Also called: Ataxia telangiectasia (A-T); ATAXIA-TELANGIECTASIA, COMPLEMENTATION GROUP A; ATAXIA-TELANGIECTASIA, FRESNO VARIANT; Ataxia-telangiectasia; Ataxia-telangiectasia, complementation group E; LOUIS-BAR SYNDROME. Identifiers: Orphanet 100, MedGen C0004135, MONDO:0008840, OMIM 208900.

Submission:

Labcorp Genetics (formerly Invitae), Labcorp
Classification: Uncertain significance for Ataxia-telangiectasia syndrome. Last evaluated: 2022-01-27. Review status: criteria provided, single submitter. Criteria: Invitae Variant Classification Sherloc (09022015). Collection method: clinical testing. Allele origin: germline.
Comment: In summary, the available evidence is currently insufficient to determine the role of this variant in disease. Therefore, it has been classified as a Variant of Uncertain Significance. Algorithms developed to predict the effect of missense changes on protein structure and function (SIFT, PolyPhen-2, Align-GVGD) all suggest that this variant is likely to be tolerated. ClinVar contains an entry for this variant (Variation ID: 1044252). This variant has not been reported in the literature in individuals affected with ATM-related conditions. This variant is not present in population databases (gnomAD no frequency). This sequence change replaces glutamic acid, which is acidic and polar, with lysine, which is basic and polar, at codon 2600 of the ATM protein (p.Glu2600Lys).